The following is an entry in ClinVar:

NM_025114.4(CEP290):c.6487dup (p.Met2163fs)

Gene: CEP290 (centrosomal protein 290; minus strand). Cytogenetic location: 12q21.32.
Variant type: Duplication.
Coding change: c.6487dup on transcript NM_025114.4 (MANE Select); coding-DNA position 6487, one base duplicated (A; older notation c.6487dupA).
Protein change: p.Met2163fs; shifts the reading frame from methionine 2163.
Molecular consequence: frameshift variant.
Genome position (GRCh38, 1-based): chr12:88,060,865, T duplicated on the plus strand (A on the coding strand, the reverse complement: CEP290 is on the minus strand); the first of 6 consecutive T bases (chr12:88,060,865-88,060,870); duplicating any one gives the same sequence. VCF-style (leftmost placement, unchanged base first): chr12-88060864-A-AT. GRCh37 (hg19) VCF-style: chr12-88454641-A-AT.
Other names: short protein forms M2163fs.
Identifiers: ClinVar variation 1070003 (VCV001070003.9), dbSNP rs2136748724, ClinGen allele CA2499221865.
Genomic context (GRCh38, chr12:88,060,864, plus strand): 5'-AAAATGATCACATTAAAAAAAATTACCTTCAATTTTTCATTTTCCTGCTCAATATTAGCC[A>AT]TTTTTTCACTAGTCAATATTCCTGATGCTTTTTTCAACTGTTCATTTTCTCTCTGGACTT-3'

ClinVar aggregate classification (germline): Pathogenic/Likely pathogenic. Review status: criteria provided, multiple submitters, no conflicts (2 of 4 stars). 3 submissions from 3 submitters: Pathogenic (2); Likely pathogenic (1). Last evaluated 2026-06-10.

Conditions:
Bardet-Biedl syndrome 14 (BBS14). Identifiers: Orphanet 110, MedGen C2673874, MONDO:0014442, OMIM 615991.
CEP290-related ciliopathy. Also called: CEP290 ciliopathy. Identifiers: MedGen CN305601, MONDO:0100451.
Meckel-Gruber syndrome. Also called: DYSENCEPHALIA SPLANCHNOCYSTICA; Dysencephalia splachnocystica; GRUBER SYNDROME. Identifiers: Orphanet 564, MedGen C0265215, MONDO:0018921.
Joubert syndrome. Also called: JOUBERT-BOLTSHAUSER SYNDROME; Familial aplasia of the vermis. Identifiers: Orphanet 475, MedGen C5979921, MONDO:0018772.
Nephronophthisis. Also called: Juvenile Nephronophthisis. Identifiers: Orphanet 655, MedGen C0687120, MONDO:0019005, HP:0000090.

Submissions (3):

Myriad Genetics, Inc.
Classification: Pathogenic for CEP290-related ciliopathy. Last evaluated: 2026-06-10. Review status: criteria provided, single submitter. Criteria: Myriad Autosomal Dominant, Autosomal Recessive and X-Linked Classification Criteria (2023). Collection method: clinical testing. Allele origin: unknown.
Comment: NM_025114.3(CEP290):c.6487dupA(M2163Nfs*3) is expected to be pathogenic in the context of CEP290-related disorders. This variant is predicted to lead to an abnormal or absent protein product due to the creation of a premature termination codon in CEP290, a gene where loss-of-function variants are known to be pathogenic. Please note: this variant was assessed in the context of healthy population screening.

Baylor Genetics
Classification: Likely pathogenic for Bardet-Biedl syndrome 14. Last evaluated: 2023-04-08. Review status: criteria provided, single submitter. Criteria: ACMG Guidelines, 2015. Collection method: clinical testing. Allele origin: unknown.

Labcorp Genetics (formerly Invitae), Labcorp
Classification: Pathogenic for Joubert syndrome; Meckel-Gruber syndrome; Nephronophthisis. Last evaluated: 2021-05-02. Review status: criteria provided, single submitter. Criteria: Invitae Variant Classification Sherloc (09022015). Collection method: clinical testing. Allele origin: germline.
Comment: For these reasons, this variant has been classified as Pathogenic. This variant has not been reported in the literature in individuals with CEP290-related conditions. This variant is not present in population databases (ExAC no frequency). This sequence change creates a premature translational stop signal (p.Met2163Asnfs*3) in the CEP290 gene. It is expected to result in an absent or disrupted protein product. Loss-of-function variants in CEP290 are known to be pathogenic (PMID: 16909394, 17345604, 20690115, 25377065, 28559085).

Literature cited by the submitters: PubMed 16909394 (cited by Labcorp Genetics (formerly Invitae), Labcorp); PubMed 17345604 (cited by Labcorp Genetics (formerly Invitae), Labcorp); PubMed 20690115 (cited by Labcorp Genetics (formerly Invitae), Labcorp); PubMed 25377065 (cited by Labcorp Genetics (formerly Invitae), Labcorp); PubMed 28559085 (cited by Labcorp Genetics (formerly Invitae), Labcorp).